The following is an entry in ClinVar:

ClinVar aggregate classification (germline): Uncertain significance (1 of 4 stars; one submission).

Conditions:
Inborn genetic diseases. Identifiers: MedGen C0950123, MeSH D030342.

Submission:

Ambry Genetics
Classification: Uncertain significance for Inborn genetic diseases. Last evaluated: 2026-08-31. Review status: criteria provided, single submitter. Criteria: Ambry Variant Classification Scheme 2023. Collection method: clinical testing. Allele origin: germline.
Comment: The p.Q866E variant (also known as c.2596C>G), located in coding exon 1 of the SAMD9L gene, results from a C to G substitution at nucleotide position 2596. The glutamine at codon 866 is replaced by glutamic acid, an amino acid with highly similar properties. This amino acid position is conserved. In addition, this alteration is predicted to be tolerated by in silico analysis. Based on the available evidence, the clinical significance of this variant remains unclear.

NM_152703.5(SAMD9L):c.2596C>G (p.Gln866Glu)

Gene: SAMD9L (sterile alpha motif domain containing 9 like; minus strand). Cytogenetic location: 7q21.2.
Variant type: single nucleotide variant.
Coding change: c.2596C>G on transcript NM_152703.5 (MANE Select); coding-DNA position 2596, C replaced by G.
Protein change: p.Gln866Glu; replaces glutamine 866 with glutamic acid.
Molecular consequence: missense variant.
Genome position (GRCh38, 1-based): chr7:93,133,376, G>C on the plus strand (C>G on the coding strand, the complement: SAMD9L is on the minus strand). VCF-style: chr7-93133376-G-C. GRCh37 (hg19) VCF-style: chr7-92762689-G-C.
Other names: c.2596C>G, p.Gln866Glu (NM_001303496.3, NM_001303497.3, NM_001303498.3 and 5 more transcripts); short protein forms Q866E.
Identifiers: ClinVar variation 5028980 (VCV005028980.1).